The following is an entry in ClinVar:

ClinVar aggregate classification (germline): Uncertain significance (1 of 4 stars; one submission).

Allele frequency attached by ClinVar (database versions not stated): gnomAD exomes below 0.00001 and 0.00001; TOPMed below 0.00001; ExAC 0.00001; gnomAD 0.00001.
gnomAD v4.1: 9 of 1,614,204 alleles (0.00056%); highest among the groups gnomAD compares: African/African-American, 0.004%; no homozygotes.

Submission:

Labcorp Genetics (formerly Invitae), Labcorp
Classification: Uncertain significance. Last evaluated: 2022-10-25. Review status: criteria provided, single submitter. Criteria: Invitae Variant Classification Sherloc (09022015). Collection method: clinical testing. Allele origin: germline.
Comment: This sequence change replaces lysine, which is basic and polar, with arginine, which is basic and polar, at codon 744 of the MYLK3 protein (p.Lys744Arg). This variant is present in population databases (rs768340016, gnomAD 0.003%). This variant has not been reported in the literature in individuals affected with MYLK3-related conditions. ClinVar contains an entry for this variant (Variation ID: 1474786). Algorithms developed to predict the effect of missense changes on protein structure and function output the following: SIFT: "Deleterious"; PolyPhen-2: "Possibly Damaging"; Align-GVGD: "Class C25". The arginine amino acid residue is found in multiple mammalian species, which suggests that this missense change does not adversely affect protein function. Algorithms developed to predict the effect of sequence changes on RNA splicing suggest that this variant may disrupt the consensus splice site. In summary, the available evidence is currently insufficient to determine the role of this variant in disease. Therefore, it has been classified as a Variant of Uncertain Significance.

NM_182493.3(MYLK3):c.2231A>G (p.Lys744Arg)

Gene: MYLK3 (myosin light chain kinase 3; minus strand). Cytogenetic location: 16q11.2.
Variant type: single nucleotide variant.
Coding change: c.2231A>G on transcript NM_182493.3 (MANE Select); coding-DNA position 2231, A replaced by G.
Protein change: p.Lys744Arg; replaces lysine 744 with arginine.
Molecular consequence: missense variant.
Genome position (GRCh38, 1-based): chr16:46,710,673, T>C on the plus strand (A>G on the coding strand, the complement: MYLK3 is on the minus strand). VCF-style: chr16-46710673-T-C. GRCh37 (hg19) VCF-style: chr16-46744585-T-C.
Other names: c.1208A>G, p.Lys403Arg (NM_001308301.1); short protein forms K744R, K403R.
Identifiers: ClinVar variation 1474786 (VCV001474786.6), dbSNP rs768340016, ClinGen allele CA8037648.